The following is an entry in ClinVar:

NM_001903.5(CTNNA1):c.1798T>C (p.Ser600Pro)

Gene: CTNNA1 (catenin alpha 1; plus strand). Cytogenetic location: 5q31.2.
Variant type: single nucleotide variant.
Coding change: c.1798T>C on transcript NM_001903.5 (MANE Select); coding-DNA position 1798, T replaced by C.
Protein change: p.Ser600Pro; replaces serine 600 with proline.
Molecular consequence: missense variant.
Genome position (GRCh38, 1-based): chr5:138,925,306, T>C. VCF-style: chr5-138925306-T-C. GRCh37 (hg19) VCF-style: chr5-138260995-T-C.
Other names: c.1798T>C (NM_001903.2); c.1798T>C, p.Ser600Pro (NM_001290307.3, NM_001323982.2, NM_001323983.1 and 2 more transcripts); c.1489T>C, p.Ser497Pro (NM_001290309.3); c.1429T>C, p.Ser477Pro (NM_001290310.3); c.688T>C, p.Ser230Pro (NM_001290312.1, NM_001323987.1, NM_001323988.1 and 17 more transcripts); c.1705T>C, p.Ser569Pro (NM_001323986.2); c.349T>C, p.Ser117Pro (NM_001324006.1, NM_001324007.1, NM_001324008.1 and 2 more transcripts); c.595T>C, p.Ser199Pro (NM_001324011.1); and 1 more; short protein forms S497P, S569P, S117P, S230P, S477P, S600P, S149P, S199P.
Identifiers: ClinVar variation 1437104 (VCV001437104.7), dbSNP rs191687307, ClinGen allele CA361132228.
Genomic context (GRCh38, chr5:138,925,306, plus strand): 5'-TTCTCCACAGTCATGCCACGTTTTACTGAGCAAGTAGAAGCAGCCGTGGAAGCCCTCAGC[T>C]CGGACCCTGCCCAGCCCATGGATGAGAATGAGTTTATCGATGCTTCCCGCCTGGTATATG-3'
Protein context (NP_001894.2, residues 590-610): QVEAAVEALS[Ser600Pro]DPAQPMDENE

ClinVar aggregate classification (germline): Uncertain significance. Review status: criteria provided, multiple submitters, no conflicts (2 of 4 stars). 2 submissions from 2 submitters: Uncertain significance (2). Last evaluated 2023-12-29.

Conditions:
Hereditary cancer-predisposing syndrome. Also called: Neoplastic Syndromes, Hereditary; Hereditary Cancer Syndrome; Hereditary neoplastic syndrome; Tumor predisposition. Identifiers: Orphanet 140162, MedGen C0027672, MeSH D009386, MONDO:0015356.

Submissions (2):

Ambry Genetics
Classification: Uncertain significance for Hereditary cancer-predisposing syndrome. Last evaluated: 2023-12-29. Review status: criteria provided, single submitter. Criteria: Ambry Variant Classification Scheme 2023. Collection method: clinical testing. Allele origin: germline.
Comment: The p.S600P variant (also known as c.1798T>C), located in coding exon 12 of the CTNNA1 gene, results from a T to C substitution at nucleotide position 1798. The serine at codon 600 is replaced by proline, an amino acid with similar properties. This amino acid position is conserved. In addition, this alteration is predicted to be tolerated by in silico analysis. Since supporting evidence is limited at this time, the clinical significance of this alteration remains unclear.

Labcorp Genetics (formerly Invitae), Labcorp
Classification: Uncertain significance. Last evaluated: 2023-07-15. Review status: criteria provided, single submitter. Criteria: Invitae Variant Classification Sherloc (09022015). Collection method: clinical testing. Allele origin: germline.
Comment: In summary, the available evidence is currently insufficient to determine the role of this variant in disease. Therefore, it has been classified as a Variant of Uncertain Significance. Advanced modeling of protein sequence and biophysical properties (such as structural, functional, and spatial information, amino acid conservation, physicochemical variation, residue mobility, and thermodynamic stability) performed at Invitae indicates that this missense variant is not expected to disrupt CTNNA1 protein function. ClinVar contains an entry for this variant (Variation ID: 1437104). This variant has not been reported in the literature in individuals affected with CTNNA1-related conditions. This variant is not present in population databases (gnomAD no frequency). This sequence change replaces serine, which is neutral and polar, with proline, which is neutral and non-polar, at codon 600 of the CTNNA1 protein (p.Ser600Pro).